The following is an entry in ClinVar:

ClinVar aggregate classification (germline): Uncertain significance (1 of 4 stars; one submission).

Conditions:
Hereditary cancer-predisposing syndrome. Also called: Hereditary Cancer Syndrome; Hereditary neoplastic syndrome; Neoplastic Syndromes, Hereditary; Tumor predisposition. Identifiers: Orphanet 140162, MedGen C0027672, MeSH D009386, MONDO:0015356.

Submission:

Ambry Genetics
Classification: Uncertain significance for Hereditary cancer-predisposing syndrome. Last evaluated: 2025-05-05. Review status: criteria provided, single submitter. Criteria: Ambry Variant Classification Scheme 2023. Collection method: clinical testing. Allele origin: germline.
Comment: The p.L146H variant (also known as c.437T>A), located in coding exon 3 of the MSH3 gene, results from a T to A substitution at nucleotide position 437. The leucine at codon 146 is replaced by histidine, an amino acid with similar properties. This amino acid position is conserved. In addition, this alteration is predicted to be tolerated by in silico analysis. Based on the available evidence, the clinical significance of this variant remains unclear.

NM_002439.5(MSH3):c.437T>A (p.Leu146His)

Gene: MSH3 (mutS homolog 3; plus strand). Cytogenetic location: 5q14.1.
Variant type: single nucleotide variant.
Coding change: c.437T>A on transcript NM_002439.5 (MANE Select); coding-DNA position 437, T replaced by A.
Protein change: p.Leu146His; replaces leucine 146 with histidine.
Molecular consequence: missense variant.
Genome position (GRCh38, 1-based): chr5:80,665,221, T>A. VCF-style: chr5-80665221-T-A. GRCh37 (hg19) VCF-style: chr5-79961040-T-A.
Other names: short protein forms L146H.
Identifiers: ClinVar variation 3913637 (VCV003913637.1).
Genomic context (GRCh38, chr5:80,665,221, plus strand): 5'-GGACCAGGAATGTTTCAAAGTCTCTGGAAAAATTGAAAGAATTCTGCTGCGATTCTGCCC[T>A]TCCTCAAAGTAGAGTCCAGACAGAATCTCTGCAGGAGAGATTTGCAGTTCTGCCAAAATG-3'
Protein context (NP_002430.3, residues 136-156): KLKEFCCDSA[Leu146His]PQSRVQTESL